The following is an entry in ClinVar:

ClinVar aggregate classification (germline): Uncertain significance (1 of 4 stars; one submission).

Conditions:
Hereditary cancer-predisposing syndrome. Also called: Hereditary neoplastic syndrome; Neoplastic Syndromes, Hereditary; Tumor predisposition; Hereditary Cancer Syndrome. Identifiers: Orphanet 140162, MedGen C0027672, MeSH D009386, MONDO:0015356.

Allele frequency attached by ClinVar (database versions not stated): gnomAD exomes below 0.00001; ExAC 0.00001.

Submission:

Labcorp Genetics (formerly Invitae), Labcorp
Classification: Uncertain significance for Hereditary cancer-predisposing syndrome. Last evaluated: 2021-10-06. Review status: criteria provided, single submitter. Criteria: Invitae Variant Classification Sherloc (09022015). Collection method: clinical testing. Allele origin: germline.
Comment: In summary, the available evidence is currently insufficient to determine the role of this variant in disease. Therefore, it has been classified as a Variant of Uncertain Significance. Algorithms developed to predict the effect of missense changes on protein structure and function (SIFT, PolyPhen-2, Align-GVGD) all suggest that this variant is likely to be tolerated. This variant has not been reported in the literature in individuals affected with RAD50-related conditions. This variant is present in population databases (rs749214928, ExAC 0.002%). This sequence change replaces serine with asparagine at codon 844 of the RAD50 protein (p.Ser844Asn). The serine residue is moderately conserved and there is a small physicochemical difference between serine and asparagine.

NM_005732.4(RAD50):c.2531G>A (p.Ser844Asn)

Gene: RAD50 (RAD50 double strand break repair protein; plus strand). Cytogenetic location: 5q31.1.
Variant type: single nucleotide variant.
Coding change: c.2531G>A on transcript NM_005732.4 (MANE Select); coding-DNA position 2531, G replaced by A.
Protein change: p.Ser844Asn; replaces serine 844 with asparagine.
Molecular consequence: missense variant.
Genome position (GRCh38, 1-based): chr5:132,604,812, G>A. VCF-style: chr5-132604812-G-A. GRCh37 (hg19) VCF-style: chr5-131940504-G-A.
Other names: short protein forms S844N.
Identifiers: ClinVar variation 1035234 (VCV001035234.7), dbSNP rs749214928, ClinGen allele CA3405425.